The following is an entry in ClinVar:

NM_001606.5(ABCA2):c.1071C>T (p.Pro357=)

Gene: ABCA2 (ATP binding cassette subfamily A member 2; minus strand). Cytogenetic location: 9q34.3.
Variant type: single nucleotide variant.
Coding change: c.1071C>T on transcript NM_001606.5 (MANE Select); coding-DNA position 1071, C replaced by T.
Protein change: p.Pro357=; no amino-acid change (proline 357 retained).
Molecular consequence: synonymous variant.
Genome position (GRCh38, 1-based): chr9:137,020,888, G>A on the plus strand (C>T on the coding strand, the complement: ABCA2 is on the minus strand). VCF-style: chr9-137020888-G-A. GRCh37 (hg19) VCF-style: chr9-139915340-G-A.
Other names: c.1068C>T, p.Pro356= (NM_001411042.1); c.1161C>T, p.Pro387= (NM_212533.3).
Identifiers: ClinVar variation 1695276 (VCV001695276.32), dbSNP rs199700897, ClinGen allele CA5355597.

ClinVar aggregate classification (germline): Likely benign. Review status: criteria provided, multiple submitters, no conflicts (2 of 4 stars). 2 submissions from 2 submitters: Likely benign (2). Last evaluated 2025-09-01.

Allele frequency attached by ClinVar (database versions not stated): 1000 Genomes Project 0.00040; 1000 Genomes Project 30x 0.00047; ESP Exome Variant Server 0.00100; TOPMed 0.00109; gnomAD 0.00198 and 0.00205; gnomAD exomes 0.00252; ExAC 0.00472.
gnomAD v4.1: 3,478 of 1,549,416 alleles (0.22%); highest among the groups gnomAD compares: South Asian, 0.22%; 12 homozygotes.

Submissions (2):

CeGaT Center for Human Genetics Tuebingen
Classification: Likely benign. Last evaluated: 2025-09-01. Review status: criteria provided, single submitter. Criteria: CeGaT Center For Human Genetics Tuebingen Variant Classification Criteria Version 2. Collection method: clinical testing. Allele origin: germline. Affected: yes. Observed: 10 variant alleles.
Comment: ABCA2: BP4, BP7

Blueprint Genetics
Classification: Likely benign. Last evaluated: 2024-11-26. Review status: criteria provided, single submitter. Criteria: ACMG Guidelines, 2015. Collection method: clinical testing. Allele origin: germline.